The following is an entry in ClinVar:

NM_024580.6(EFL1):c.2909G>A (p.Arg970His)

Gene: EFL1 (elongation factor like GTPase 1; minus strand). Cytogenetic location: 15q25.2.
Variant type: single nucleotide variant.
Coding change: c.2909G>A on transcript NM_024580.6 (MANE Select); coding-DNA position 2909, G replaced by A.
Protein change: p.Arg970His; replaces arginine 970 with histidine.
Molecular consequence: missense variant. On other transcripts: non-coding transcript variant (1).
Genome position (GRCh38, 1-based): chr15:82,151,545, C>T on the plus strand (G>A on the coding strand, the complement: EFL1 is on the minus strand). VCF-style: chr15-82151545-C-T. GRCh37 (hg19) VCF-style: chr15-82443886-C-T.
Other names: NM_024580.6(EFL1):c.2909G>A; p.Arg970His; c.2909G>A, p.Arg970His (NM_001322845.2); c.2756G>A, p.Arg919His (NM_001040610.3); c.2120G>A, p.Arg707His (NM_001322844.2); short protein forms R707H, R919H, R970H.
Identifiers: ClinVar variation 2419077 (VCV002419077.4), dbSNP rs1201744875, ClinGen allele CA393285871.

ClinVar aggregate classification (germline): Uncertain significance. Review status: criteria provided, multiple submitters, no conflicts (2 of 4 stars). 2 submissions from 2 submitters: Uncertain significance (2). Last evaluated 2025-01-08.

Conditions:
Shwachman syndrome. Also called: Shwachman-Diamond Syndrome; SHWACHMAN-BODIAN SYNDROME; PANCREATIC INSUFFICIENCY AND BONE MARROW DYSFUNCTION. Identifiers: Orphanet 811, MedGen C0272170, MONDO:0009833.

Allele frequency attached by ClinVar (database versions not stated): gnomAD 0.00001.
gnomAD v4.1: 5 of 1,613,956 alleles (0.00031%); highest among the groups gnomAD compares: East Asian, 0.0022%; no homozygotes.

Submissions (2):

Broad Center for Mendelian Genomics, Broad Institute of MIT and Harvard
Classification: Uncertain significance for Shwachman syndrome. Last evaluated: 2025-01-08. Review status: criteria provided, single submitter. Criteria: ACMG Guidelines, 2015. Collection method: curation. Allele origin: germline. Inheritance: Autosomal recessive inheritance.
Comment: The p.Arg970His Variant in EFL1 has been reported, in the homozygous state, in 1 individual with Shwachman-Diamond syndrome (PMID: 31151987), and has been identified in 0.002% (1/44886) of East Asian chromosomes by the Genome Aggregation Database (gnomAD; dbSNP rs1201744875). Although this variant has been seen in the general population in a heterozygous state, its frequency is low enough to be consistent with a recessive carrier frequency. This variant has also been reported in ClinVar (Variation ID: 2419077) and has been interpreted as a variant of uncertain significance by Invitae. In vitro functional studies provide some evidence that the Arg970His variant may slightly impact protein function (PMID: 31151987). However, these types of assays may not accurately represent biological function. Computational prediction tools and conservation analyses do not provide strong support for or against an impact to the protein. Furthermore, although this gene has been reported in association with Shwachman-Diamond syndrome, it currently has moderate evidence for these associations. In summary, the clinical significance of the p.Arg970His variant is uncertain.

Labcorp Genetics (formerly Invitae), Labcorp
Classification: Uncertain significance. Last evaluated: 2022-06-09. Review status: criteria provided, single submitter. Criteria: Invitae Variant Classification Sherloc (09022015). Collection method: clinical testing. Allele origin: germline.
Comment: This sequence change replaces arginine, which is basic and polar, with histidine, which is basic and polar, at codon 970 of the EFL1 protein (p.Arg970His). This variant is present in population databases (no rsID available, gnomAD 0.004%). This missense change has been observed in individual(s) with Shwachman-Diamond syndrome (PMID: 31151987). Algorithms developed to predict the effect of missense changes on protein structure and function are either unavailable or do not agree on the potential impact of this missense change (SIFT: "Tolerated"; PolyPhen-2: "Probably Damaging"; Align-GVGD: "Class C0"). Studies have shown that this missense change does not significantly alter or has an unclear effect on EFL1 gene expression (PMID: 31151987). In summary, the available evidence is currently insufficient to determine the role of this variant in disease. Therefore, it has been classified as a Variant of Uncertain Significance.

Literature cited by the submitters: PubMed 31151987 (cited by Broad Center for Mendelian Genomics, Broad Institute of MIT and Harvard and Labcorp Genetics (formerly Invitae), Labcorp).